The following is an entry in ClinVar:

ClinVar aggregate classification (germline): Uncertain significance. Review status: criteria provided, multiple submitters, no conflicts (2 of 4 stars). 2 submissions from 2 submitters: Uncertain significance (2). Last evaluated 2024-11-19.

Conditions:
Hereditary cancer-predisposing syndrome. Also called: Tumor predisposition; Neoplastic Syndromes, Hereditary; Hereditary Cancer Syndrome; Hereditary neoplastic syndrome. Identifiers: Orphanet 140162, MedGen C0027672, MeSH D009386, MONDO:0015356.
Tuberous sclerosis 2 (TSC2). Identifiers: Orphanet 805, MedGen C1860707, MONDO:0013199, OMIM 613254.

Submissions (2):

Labcorp Genetics (formerly Invitae), Labcorp
Classification: Uncertain significance for Tuberous sclerosis 2. Last evaluated: 2024-11-19. Review status: criteria provided, single submitter. Criteria: Invitae Variant Classification Sherloc (09022015). Collection method: clinical testing. Allele origin: germline.
Comment: This sequence change affects codon 1733 of the TSC2 mRNA. It is a 'silent' change, meaning that it does not change the encoded amino acid sequence of the TSC2 protein. This variant is not present in population databases (gnomAD no frequency). This variant has not been reported in the literature in individuals affected with TSC2-related conditions. ClinVar contains an entry for this variant (Variation ID: 406084). Algorithms developed to predict the effect of sequence changes on RNA splicing suggest that this variant may create or strengthen a splice site. In summary, the available evidence is currently insufficient to determine the role of this variant in disease. Therefore, it has been classified as a Variant of Uncertain Significance.

Ambry Genetics
Classification: Uncertain significance for Hereditary cancer-predisposing syndrome. Last evaluated: 2022-01-18. Review status: criteria provided, single submitter. Criteria: Ambry Variant Classification Scheme 2023. Collection method: clinical testing. Allele origin: germline.
Comment: The c.5199C>A (p.T1733T) alteration is located in exon 41 (coding exon 40) of the TSC2 gene. This alteration consists of a C to A substitution at nucleotide position 5199. This nucleotide substitution does not change the amino acid at codon 1733. However, this change occurs in the last nucleotide of Exon 41 (c.5161_5259) which makes it likely to have some effect on normal mRNA splicing. Based on insufficient or conflicting evidence, the clinical significance of this alteration remains unclear.

NM_000548.5(TSC2):c.5199C>A (p.Thr1733=)

Gene: TSC2 (TSC complex subunit 2; plus strand). Cytogenetic location: 16p13.3.
Variant type: single nucleotide variant.
Coding change: c.5199C>A on transcript NM_000548.5 (MANE Select); coding-DNA position 5199, C replaced by A.
Protein change: p.Thr1733=; no amino-acid change (threonine 1733 retained).
Molecular consequence: synonymous variant.
Genome position (GRCh38, 1-based): chr16:2,088,265, C>A. VCF-style: chr16-2088265-C-A. GRCh37 (hg19) VCF-style: chr16-2138266-C-A.
Other names: c.4998C>A, p.Thr1666= (NM_001077183.3); c.5130C>A, p.Thr1710= (NM_001114382.3); c.4890C>A, p.Thr1630= (NM_001318827.2); c.4854C>A, p.Thr1618= (NM_001318829.2); c.4467C>A, p.Thr1489= (NM_001318831.2); c.5031C>A, p.Thr1677= (NM_001318832.2); c.5001C>A, p.Thr1667= (NM_001363528.2); c.5067C>A, p.Thr1689= (NM_001370404.1); and 2 more.
Identifiers: ClinVar variation 406084 (VCV000406084.9), dbSNP rs778378296, ClinGen allele CA16614834.